The following is an entry in ClinVar:

ClinVar aggregate classification (germline): Pathogenic (1 of 4 stars; one submission).

Allele frequency attached by ClinVar (database versions not stated): gnomAD exomes below 0.00001.

Submission:

Labcorp Genetics (formerly Invitae), Labcorp
Classification: Pathogenic. Last evaluated: 2022-07-18. Review status: criteria provided, single submitter. Criteria: Invitae Variant Classification Sherloc (09022015). Collection method: clinical testing. Allele origin: germline.
Comment: This sequence change creates a premature translational stop signal (p.Leu151Argfs*15) in the XRCC4 gene. It is expected to result in an absent or disrupted protein product. Loss-of-function variants in XRCC4 are known to be pathogenic (PMID: 25728776). This variant is present in population databases (no rsID available, gnomAD 0.003%). This variant has not been reported in the literature in individuals affected with XRCC4-related conditions. For these reasons, this variant has been classified as Pathogenic.

Literature cited by the submitters: PubMed 25728776.

NM_003401.5(XRCC4):c.452_455del (p.Leu151fs)

Gene: XRCC4 (X-ray repair cross complementing 4; plus strand). Cytogenetic location: 5q14.2.
Variant type: Deletion.
Coding change: c.452_455del on transcript NM_003401.5 (MANE Select); coding-DNA positions 452 to 455, 4 bases deleted (TTCT; older notation c.452_455delTTCT).
Protein change: p.Leu151fs; shifts the reading frame from leucine 151.
Molecular consequence: frameshift variant.
Genome position (GRCh38, 1-based): chr5:83,195,906-83,195,909, TTCT deleted. VCF-style (leftmost placement, unchanged base first): chr5-83195905-CTTCT-C. GRCh37 (hg19) VCF-style: chr5-82491724-CTTCT-C.
Other names: c.452_455delTTCT, p.Leu151Argfs (NM_001131022.1); c.452_455del, p.Leu151fs (NM_001318012.3, NM_001318013.2, NM_022406.5 and 1 more transcripts); short protein forms L151fs.
Identifiers: ClinVar variation 2133924 (VCV002133924.4), dbSNP rs1481948454, ClinGen allele CA560929576.